The following is an entry in ClinVar:

ClinVar aggregate classification (germline): Uncertain significance (1 of 4 stars; one submission).

Conditions:
Hereditary cancer-predisposing syndrome. Also called: Hereditary neoplastic syndrome; Neoplastic Syndromes, Hereditary; Tumor predisposition; Hereditary Cancer Syndrome. Identifiers: Orphanet 140162, MedGen C0027672, MeSH D009386, MONDO:0015356.

Submission:

Ambry Genetics
Classification: Uncertain significance for Hereditary cancer-predisposing syndrome. Last evaluated: 2025-08-10. Review status: criteria provided, single submitter. Criteria: Ambry Variant Classification Scheme 2023. Collection method: clinical testing. Allele origin: germline.
Comment: The p.G262S variant (also known as c.784G>A), located in coding exon 3 of the PHOX2B gene, results from a G to A substitution at nucleotide position 784. The glycine at codon 262 is replaced by serine, an amino acid with similar properties. This amino acid position is conserved. In addition, the in silico prediction for this alteration is inconclusive. Based on the available evidence, the clinical significance of this variant remains unclear.

NM_003924.4(PHOX2B):c.784G>A (p.Gly262Ser)

Gene: PHOX2B (paired like homeobox 2B; minus strand). Cytogenetic location: 4p13.
Variant type: single nucleotide variant.
Coding change: c.784G>A on transcript NM_003924.4 (MANE Select); coding-DNA position 784, G replaced by A.
Protein change: p.Gly262Ser; replaces glycine 262 with serine.
Molecular consequence: missense variant.
Genome position (GRCh38, 1-based): chr4:41,745,968, C>T on the plus strand (G>A on the coding strand, the complement: PHOX2B is on the minus strand). VCF-style: chr4-41745968-C-T. GRCh37 (hg19) VCF-style: chr4-41747985-C-T.
Other names: short protein forms G262S.
Identifiers: ClinVar variation 4136090 (VCV004136090.1).